The following is an entry in ClinVar:

ClinVar aggregate classification (germline): Likely pathogenic (1 of 4 stars; one submission).

Conditions:
Mowat-Wilson syndrome (MOWS). Also called: Classic Mowat-Wilson Syndrome. Identifiers: Orphanet 2152, MedGen C1856113, MONDO:0009341, OMIM 235730.

Submission:

Victorian Clinical Genetics Services, Murdoch Childrens Research Institute
Classification: Likely pathogenic for Mowat-Wilson syndrome. Last evaluated: 2025-05-15. Review status: criteria provided, single submitter. Criteria: ACMG Guidelines, 2015. Collection method: clinical testing. Allele origin: germline. Affected: yes.
Comment: This variant is classified as Likely pathogenic. Evidence in support of pathogenic classification: Variant is absent from gnomAD (v2, v3 and v4); Variant is located in the well-established functional C2H2 zinc finger domain, affecting a critical cysteine residue in this domain (NCBI, PMID: 39941075). - Missense variant predicted to be damaging by in silico tool(s) or highly conserved with a major amino acid change; Additional information: Variant is predicted to result in a missense amino acid change from cysteine to tyrosine; This variant is heterozygous; This gene is associated with autosomal dominant disease; This variant has no previous evidence of pathogenicity; No published segregation evidence has been identified for this variant; No published functional evidence has been identified for this variant; Loss of function is a known mechanism of disease in this gene and is associated with Mowat-Wilson syndrome (MIM#235730); Variants in this gene are known to have variable expressivity (PMID: 29300384).

Literature cited by the submitters: PubMed 39941075; PubMed 29300384.

NM_014795.4(ZEB2):c.3086G>A (p.Cys1029Tyr)

Gene: ZEB2 (zinc finger E-box binding homeobox 2; minus strand). Cytogenetic location: 2q22.3.
Variant type: single nucleotide variant.
Coding change: c.3086G>A on transcript NM_014795.4 (MANE Select); coding-DNA position 3086, G replaced by A.
Protein change: p.Cys1029Tyr; replaces cysteine 1029 with tyrosine.
Molecular consequence: missense variant.
Genome position (GRCh38, 1-based): chr2:144,390,010, C>T on the plus strand (G>A on the coding strand, the complement: ZEB2 is on the minus strand). VCF-style: chr2-144390010-C-T. GRCh37 (hg19) VCF-style: chr2-145147577-C-T.
Other names: c.3014G>A, p.Cys1005Tyr (NM_001171653.2); short protein forms C1029Y, C1005Y.
Identifiers: ClinVar variation 4531769 (VCV004531769.1), dbSNP rs730881216.
Genomic context (GRCh38, chr2:144,390,010, plus strand): 5'-TGAAGCCTTGAGTGCTCGATAAGGTGGTGCTTGTGTTTAAACGCTTTCTTACAAATCTGA[C>T]ACTGATGTGGTCTTTTTCCTGGGAGAAAGAACAAGATGACAGGGTGATTAGTGTCTTTGC-3'
Protein context (NP_055610.1, residues 1019-1039): YEHTGKRPHQ[Cys1029Tyr]QICKKAFKHK